The following is an entry in ClinVar:

NM_000287.4(PEX6):c.1406G>A (p.Arg469Gln)

Gene: PEX6 (peroxisomal biogenesis factor 6; minus strand). Cytogenetic location: 6p21.1.
Variant type: single nucleotide variant.
Coding change: c.1406G>A on transcript NM_000287.4 (MANE Select); coding-DNA position 1406, G replaced by A.
Protein change: p.Arg469Gln; replaces arginine 469 with glutamine.
Molecular consequence: missense variant. On other transcripts: non-coding transcript variant (1).
Genome position (GRCh38, 1-based): chr6:42,968,947, C>T on the plus strand (G>A on the coding strand, the complement: PEX6 is on the minus strand). VCF-style: chr6-42968947-C-T. GRCh37 (hg19) VCF-style: chr6-42936685-C-T.
Other names: c.1142G>A, p.Arg381Gln (NM_001316313.2); short protein forms R381Q, R469Q.
Identifiers: ClinVar variation 970774 (VCV000970774.10), dbSNP rs773105735, ClinGen allele CA3811334.
Genomic context (GRCh38, chr6:42,968,947, plus strand): 5'-AGCCCAAGGTGACTACAGGCAGCAGCAACTACTGTGGTCTTCCCACAGCCTGGGGGGCCC[C>T]GTAGAAGGACACTGCTAGTTCCTGTCAGCAGGGCACCCCTGCAACCAGAGAACAGACATT-3'
Protein context (NP_000278.3, residues 459-479): LLTGTSSVLL[Arg469Gln]GPPGCGKTTV

ClinVar aggregate classification (germline): Uncertain significance. Review status: criteria provided, multiple submitters, no conflicts (2 of 4 stars). 4 submissions from 4 submitters: Uncertain significance (3). 1 of the submissions does not count toward it. Last evaluated 2026-02-02.

Conditions:
Peroxisome biogenesis disorder. Identifiers: Orphanet 79189, MedGen C1832200, MONDO:0019234. Disease mechanism: loss of function.
Zellweger spectrum disorders (ZS). Also called: Zellweger syndrome; Zellweger Spectrum Disorder (ZSD); Zellweger Spectrum Disorder; Zellweger Spectrum. Identifiers: Orphanet 912, MedGen C0043459, MONDO:0019609.
Inborn genetic diseases. Identifiers: MedGen C0950123, MeSH D030342.
PEX6-related disorder. Also called: PEX6-related disorders; PEX6-related condition.

Allele frequency attached by ClinVar (database versions not stated): gnomAD exomes 0.00001 and 0.00002; ExAC 0.00002.
gnomAD v4.1: 9 of 1,614,020 alleles (0.00056%); highest among the groups gnomAD compares: East Asian, 0.0045%; no homozygotes.

Submissions (4):

Labcorp Genetics (formerly Invitae), Labcorp
Classification: Uncertain significance for Peroxisome biogenesis disorder. Last evaluated: 2026-02-02. Review status: criteria provided, single submitter. Criteria: Invitae Variant Classification Sherloc (09022015). Collection method: clinical testing. Allele origin: germline.
Comment: This sequence change replaces arginine, which is basic and polar, with glutamine, which is neutral and polar, at codon 469 of the PEX6 protein (p.Arg469Gln). This variant is present in population databases (rs773105735, gnomAD 0.006%). This variant has not been reported in the literature in individuals affected with PEX6-related conditions. ClinVar contains an entry for this variant (Variation ID: 970774). Invitae Evidence Modeling of protein sequence and biophysical properties (such as structural, functional, and spatial information, amino acid conservation, physicochemical variation, residue mobility, and thermodynamic stability) indicates that this missense variant is not expected to disrupt PEX6 protein function with a negative predictive value of 95%. In summary, the available evidence is currently insufficient to determine the role of this variant in disease. Therefore, it has been classified as a Variant of Uncertain Significance.

Ambry Genetics
Classification: Uncertain significance for Inborn genetic diseases. Last evaluated: 2025-10-24. Review status: criteria provided, single submitter. Criteria: Ambry Variant Classification Scheme 2023. Collection method: clinical testing. Allele origin: germline.

PreventionGenetics, part of Exact Sciences
Classification: Uncertain significance for PEX6-related condition. Last evaluated: 2025-03-26. Review status: criteria provided, single submitter. Criteria: ACMG Guidelines, 2015. Collection method: clinical testing. Allele origin: germline.
Comment: The PEX6 c.1406G>A variant is predicted to result in the amino acid substitution p.Arg469Gln. To our knowledge, this variant has not been reported in the literature. This variant is reported in 0.0058% of alleles in individuals of Latino descent in gnomAD. At this time, the clinical significance of this variant is uncertain due to the absence of conclusive functional and genetic evidence.

Natera, Inc.
Classification: Uncertain significance for Zellweger syndrome. Last evaluated: 2020-02-13. Review status: no assertion criteria provided. Collection method: clinical testing. Allele origin: germline. Not counted in ClinVar's aggregate classification.